The following is an entry in ClinVar:

NM_001369.3(DNAH5):c.4151_4152del (p.Thr1384fs)

Genes: DNAH5-AS1 (DNAH5 antisense RNA 1; plus strand), DNAH5 (dynein axonemal heavy chain 5; minus strand). Cytogenetic location: 5p15.2.
Variant type: Microsatellite.
Coding change: c.4151_4152del on transcript NM_001369.3 (MANE Select); coding-DNA positions 4151 to 4152, 2 bases deleted (CA; older notation c.4151_4152delCA).
Protein change: p.Thr1384fs; shifts the reading frame from threonine 1384.
Molecular consequence: frameshift variant.
Genome position (GRCh38, 1-based): chr5:13,865,871-13,865,872, TG deleted on the plus strand (CA on the coding strand, the reverse complement: DNAH5 is on the minus strand); deleting any 2 consecutive bases within chr5:13,865,871-13,865,874 gives the same sequence; the c. name uses the placement nearest the transcript's 3' end. VCF-style (leftmost placement, unchanged base first): chr5-13865870-ATG-A. GRCh37 (hg19) VCF-style: chr5-13865979-ATG-A.
Other names: short protein forms T1384fs.
Identifiers: ClinVar variation 1726557 (VCV001726557.2), dbSNP rs2546983170, ClinGen allele CA2580613526.

ClinVar aggregate classification (germline): Likely pathogenic (1 of 4 stars; one submission).

Conditions:
Primary ciliary dyskinesia 3. Identifiers: Orphanet 244, MedGen C1837618, MONDO:0012085, OMIM 608644.

Submission:

Myriad Genetics, Inc.
Classification: Likely pathogenic for Primary ciliary dyskinesia 3. Last evaluated: 2021-12-21. Review status: criteria provided, single submitter. Criteria: Myriad Women's Health Autosomal Recessive and X-Linked Classification Criteria (2021). Collection method: clinical testing. Allele origin: unknown.
Comment: NM_001369.2(DNAH5):c.4151_4152delCA(T1384Ifs*20) is expected to be pathogenic in the context of DNAH5-related primary ciliary dyskinesia. This variant is predicted to lead to an abnormal or absent protein product due to the creation of a premature termination codon in DNAH5, a gene where loss-of-function variants are known to be pathogenic. Please note: this variant was assessed in the context of healthy population screening.